The following is an entry in ClinVar:

NM_004612.4(TGFBR1):c.1387-325A>G

Gene: TGFBR1 (transforming growth factor beta receptor 1; plus strand). Cytogenetic location: 9q22.33.
Variant type: single nucleotide variant.
Coding change: c.1387-325A>G on transcript NM_004612.4 (MANE Select); 325 bases into the intron before coding-DNA position 1387, A replaced by G.
Molecular consequence: intron variant.
Genome position (GRCh38, 1-based): chr9:99,148,855, A>G. VCF-style: chr9-99148855-A-G. GRCh37 (hg19) VCF-style: chr9-101911137-A-G.
Other names: c.1399-325A>G (NM_001306210.2); c.1156-325A>G (NM_001130916.3).
Identifiers: ClinVar variation 671824 (VCV000671824.1), dbSNP rs75709355, ClinGen allele CA196895562.

ClinVar aggregate classification (germline): Likely benign (1 of 4 stars; one submission).

Allele frequency attached by ClinVar (database versions not stated): TOPMed 0.00807; gnomAD 0.00847 and 0.00887; 1000 Genomes Project 30x 0.00999; 1000 Genomes Project 0.01058.
gnomAD v4.1: 1,333 of 151,660 alleles (0.88%); highest among the groups gnomAD compares: East Asian, 3.5%; 6 homozygotes.

Submission:

GeneDx
Classification: Likely benign. Last evaluated: 2018-06-19. Review status: criteria provided, single submitter. Criteria: GeneDx Variant Classification (06012015). Collection method: clinical testing. Allele origin: germline. Affected: yes.
Comment: This variant is considered likely benign or benign based on one or more of the following criteria: it is a conservative change, it occurs at a poorly conserved position in the protein, it is predicted to be benign by multiple in silico algorithms, and/or has population frequency not consistent with disease.